The following is an entry in ClinVar:

NM_031407.7(HUWE1):c.3348G>T (p.Gln1116His)

Gene: HUWE1 (HECT, UBA and WWE domain containing E3 ubiquitin protein ligase 1; minus strand). Cytogenetic location: Xp11.22.
Variant type: single nucleotide variant.
Coding change: c.3348G>T on transcript NM_031407.7 (MANE Select); coding-DNA position 3348, G replaced by T.
Protein change: p.Gln1116His; replaces glutamine 1116 with histidine.
Molecular consequence: missense variant.
Genome position (GRCh38, 1-based): chrX:53,595,219, C>A on the plus strand (G>T on the coding strand, the complement: HUWE1 is on the minus strand). VCF-style: chrX-53595219-C-A. GRCh37 (hg19) VCF-style: chrX-53622179-C-A.
Other names: c.3348G>T, p.Gln1116His (NM_001441048.1, NM_001441049.1, NM_001441051.1 and 6 more transcripts); c.3369G>T, p.Gln1123His (NM_001441050.1, NM_001441055.1); short protein forms Q1116H, Q1123H.
Identifiers: ClinVar variation 4528081 (VCV004528081.1).

ClinVar aggregate classification (germline): Uncertain significance (1 of 4 stars; one submission).

Submission:

GeneDx
Classification: Uncertain significance. Last evaluated: 2025-05-07. Review status: criteria provided, single submitter. Criteria: GeneDx Variant Classification Process June 2021. Collection method: clinical testing. Allele origin: germline. Affected: yes.
Comment: Not observed at significant frequency in large population cohorts (gnomAD); In silico analysis suggests that this missense variant does not alter protein structure/function; Has not been previously published as pathogenic or benign to our knowledge